The following is an entry in ClinVar:

NM_001257096.2(PAX1):c.248A>G (p.His83Arg)

Gene: PAX1 (paired box 1; plus strand). Cytogenetic location: 20p11.22.
Variant type: single nucleotide variant.
Coding change: c.248A>G on transcript NM_001257096.2 (MANE Select); coding-DNA position 248, A replaced by G.
Protein change: p.His83Arg; replaces histidine 83 with arginine.
Molecular consequence: missense variant.
Genome position (GRCh38, 1-based): chr20:21,705,960, A>G. VCF-style: chr20-21705960-A-G. GRCh37 (hg19) VCF-style: chr20-21686598-A-G.
Other names: c.248A>G, p.His83Arg (NM_006192.5); short protein forms H83R.
Identifiers: ClinVar variation 2177209 (VCV002177209.4), dbSNP rs1431088733, ClinGen allele CA408497155.
Genomic context (GRCh38, chr20:21,705,960, plus strand): 5'-GCGGCGGCGGCGCCCAAGCTCTCCCGGACTGCGCCGGGCCCAGCCCCGGCCACCCCGGCC[A>G]CCCCGGCGCCAGGCAGCTGGCCGGCCCGCTCGCTATGGGTAAGGGGCGGGCGACAGGCAG-3'
Protein context (NP_001244025.1, residues 73-93): CAGPSPGHPG[His83Arg]PGARQLAGPL

ClinVar aggregate classification (germline): Uncertain significance (1 of 4 stars; one submission).

gnomAD v4.1: 17 of 1,486,292 alleles (0.0011%); highest among the groups gnomAD compares: Non-Finnish European, 0.0014%; no homozygotes.

Submission:

Labcorp Genetics (formerly Invitae), Labcorp
Classification: Uncertain significance. Last evaluated: 2022-08-10. Review status: criteria provided, single submitter. Criteria: Invitae Variant Classification Sherloc (09022015). Collection method: clinical testing. Allele origin: germline.
Comment: This variant has not been reported in the literature in individuals affected with PAX1-related conditions. This variant is present in population databases (no rsID available, gnomAD 0.003%). This sequence change replaces histidine, which is basic and polar, with arginine, which is basic and polar, at codon 83 of the PAX1 protein (p.His83Arg). In summary, the available evidence is currently insufficient to determine the role of this variant in disease. Therefore, it has been classified as a Variant of Uncertain Significance. Algorithms developed to predict the effect of missense changes on protein structure and function output the following: SIFT: "Tolerated"; PolyPhen-2: "Benign"; Align-GVGD: "Class C0". The arginine amino acid residue is found in multiple mammalian species, which suggests that this missense change does not adversely affect protein function.